The following is an entry in ClinVar:

NM_018127.7(ELAC2):c.2286G>C (p.Lys762Asn)

Gene: ELAC2 (elaC ribonuclease Z 2; minus strand). Cytogenetic location: 17p12.
Variant type: single nucleotide variant.
Coding change: c.2286G>C on transcript NM_018127.7 (MANE Select); coding-DNA position 2286, G replaced by C.
Protein change: p.Lys762Asn; replaces lysine 762 with asparagine.
Molecular consequence: missense variant.
Genome position (GRCh38, 1-based): chr17:12,993,013, C>G on the plus strand (G>C on the coding strand, the complement: ELAC2 is on the minus strand). VCF-style: chr17-12993013-C-G. GRCh37 (hg19) VCF-style: chr17-12896330-C-G.
Other names: c.2166G>C, p.Lys722Asn (NM_001165962.2); c.2283G>C, p.Lys761Asn (NM_173717.2); short protein forms K722N, K762N, K761N.
Identifiers: ClinVar variation 4777713 (VCV004777713.1).

ClinVar aggregate classification (germline): Uncertain significance (1 of 4 stars; one submission).

Conditions:
Combined oxidative phosphorylation defect type 17. Also called: Combined oxidative phosphorylation deficiency 17. Identifiers: Orphanet 369913, MedGen C3809526, MONDO:0014190, OMIM 615440.

Submission:

Labcorp Genetics (formerly Invitae), Labcorp
Classification: Uncertain significance for Combined oxidative phosphorylation defect type 17. Last evaluated: 2025-08-29. Review status: criteria provided, single submitter. Criteria: Invitae Variant Classification Sherloc (09022015). Collection method: clinical testing. Allele origin: germline.
Comment: This sequence change replaces lysine, which is basic and polar, with asparagine, which is neutral and polar, at codon 762 of the ELAC2 protein (p.Lys762Asn). This variant is not present in population databases (gnomAD no frequency). This variant has not been reported in the literature in individuals affected with ELAC2-related conditions. Invitae Evidence Modeling of protein sequence and biophysical properties (such as structural, functional, and spatial information, amino acid conservation, physicochemical variation, residue mobility, and thermodynamic stability) indicates that this missense variant is not expected to disrupt ELAC2 protein function with a negative predictive value of 80%. In summary, the available evidence is currently insufficient to determine the role of this variant in disease. Therefore, it has been classified as a Variant of Uncertain Significance.